The following is an entry in ClinVar:

NM_016148.5(SHANK1):c.5314C>G (p.Pro1772Ala)

Gene: SHANK1 (SH3 and multiple ankyrin repeat domains 1; minus strand). Cytogenetic location: 19q13.33.
Variant type: single nucleotide variant.
Coding change: c.5314C>G on transcript NM_016148.5 (MANE Select); coding-DNA position 5314, C replaced by G.
Protein change: p.Pro1772Ala; replaces proline 1772 with alanine.
Molecular consequence: missense variant.
Genome position (GRCh38, 1-based): chr19:50,666,646, G>C on the plus strand (C>G on the coding strand, the complement: SHANK1 is on the minus strand). VCF-style: chr19-50666646-G-C. GRCh37 (hg19) VCF-style: chr19-51169903-G-C.
Other names: short protein forms P1772A.
Identifiers: ClinVar variation 4976221 (VCV004976221.1).

ClinVar aggregate classification (germline): Uncertain significance (1 of 4 stars; one submission).

gnomAD v4.1: 2 of 1,594,182 alleles (0.00013%); highest among the groups gnomAD compares: African/African-American, 0.0027%; no homozygotes.

Submission:

GeneDx
Classification: Uncertain significance. Last evaluated: 2026-02-04. Review status: criteria provided, single submitter. Criteria: GeneDx Variant Classification Process June 2021. Collection method: clinical testing. Allele origin: germline.
Comment: Not observed at significant frequency in large population cohorts (gnomAD); In silico analysis suggests that this missense variant does not alter protein structure/function; Has not been previously published as pathogenic or benign to our knowledge